The following is an entry in ClinVar:

ClinVar aggregate classification (germline): Uncertain significance (1 of 4 stars; one submission).

gnomAD v4.1: 11 of 1,140,329 alleles (0.00096%); highest among the groups gnomAD compares: African/African-American, 0.016%; no homozygotes.

Submission:

Labcorp Genetics (formerly Invitae), Labcorp
Classification: Uncertain significance. Last evaluated: 2024-10-10. Review status: criteria provided, single submitter. Criteria: Invitae Variant Classification Sherloc (09022015). Collection method: clinical testing. Allele origin: germline.
Comment: This sequence change replaces asparagine, which is neutral and polar, with serine, which is neutral and polar, at codon 1093 of the POLA1 protein (p.Asn1093Ser). This variant is present in population databases (rs757079419, gnomAD 0.03%). This variant has not been reported in the literature in individuals affected with POLA1-related conditions. An algorithm developed to predict the effect of missense changes on protein structure and function outputs the following: PolyPhen-2: "Benign". The serine amino acid residue is found in multiple mammalian species, which suggests that this missense change does not adversely affect protein function. In summary, the available evidence is currently insufficient to determine the role of this variant in disease. Therefore, it has been classified as a Variant of Uncertain Significance.

NM_001330360.2(POLA1):c.3296A>G (p.Asn1099Ser)

Gene: POLA1 (DNA polymerase alpha 1, catalytic subunit; plus strand). Cytogenetic location: Xp22.11.
Variant type: single nucleotide variant.
Coding change: c.3296A>G on transcript NM_001330360.2 (MANE Select); coding-DNA position 3296, A replaced by G.
Protein change: p.Asn1099Ser; replaces asparagine 1099 with serine.
Molecular consequence: missense variant. On other transcripts: non-coding transcript variant (2).
Genome position (GRCh38, 1-based): chrX:24,812,863, A>G. VCF-style: chrX-24812863-A-G. GRCh37 (hg19) VCF-style: chrX-24830980-A-G.
Other names: c.3221A>G, p.Asn1074Ser (NM_001378303.1); c.3278A>G, p.Asn1093Ser (NM_016937.4); short protein forms N1093S, N1099S, N1074S.
Identifiers: ClinVar variation 3670347 (VCV003670347.2).